The following is an entry in ClinVar:

ClinVar aggregate classification (germline): Uncertain significance (1 of 4 stars; one submission).

Conditions:
Duchenne muscular dystrophy (DMD). Also called: MUSCULAR DYSTROPHY, PSEUDOHYPERTROPHIC PROGRESSIVE, DUCHENNE TYPE; Duchenne Muscular Dystrophy (DMD). Identifiers: Orphanet 98896, MedGen C0013264, MONDO:0010679, OMIM 310200.

Allele frequency attached by ClinVar (database versions not stated): gnomAD exomes below 0.00001.
gnomAD v4.1: 1 of 1,211,512 alleles (0.000083%); highest among the groups gnomAD compares: Non-Finnish European, 0.00011%; no homozygotes.

Submission:

Labcorp Genetics (formerly Invitae), Labcorp
Classification: Uncertain significance for Duchenne muscular dystrophy. Last evaluated: 2022-02-19. Review status: criteria provided, single submitter. Criteria: Invitae Variant Classification Sherloc (09022015). Collection method: clinical testing. Allele origin: germline.
Comment: This sequence change replaces lysine, which is basic and polar, with glutamic acid, which is acidic and polar, at codon 2247 of the DMD protein (p.Lys2247Glu). This variant is not present in population databases (gnomAD no frequency). This variant has not been reported in the literature in individuals affected with DMD-related conditions. Algorithms developed to predict the effect of missense changes on protein structure and function are either unavailable or do not agree on the potential impact of this missense change (SIFT: "Deleterious"; PolyPhen-2: "Possibly Damaging"; Align-GVGD: "Class C0"). In summary, the available evidence is currently insufficient to determine the role of this variant in disease. Therefore, it has been classified as a Variant of Uncertain Significance.

NM_004006.3(DMD):c.6739A>G (p.Lys2247Glu)

Gene: DMD (dystrophin; minus strand). Cytogenetic location: Xp21.1.
Variant type: single nucleotide variant.
Coding change: c.6739A>G on transcript NM_004006.3 (MANE Select); coding-DNA position 6739, A replaced by G.
Protein change: p.Lys2247Glu; replaces lysine 2247 with glutamic acid.
Molecular consequence: missense variant. On other transcripts: 5 prime UTR variant (5).
Genome position (GRCh38, 1-based): chrX:31,932,103, T>C on the plus strand (A>G on the coding strand, the complement: DMD is on the minus strand). VCF-style: chrX-31932103-T-C. GRCh37 (hg19) VCF-style: chrX-31950220-T-C.
Other names: c.6715A>G, p.Lys2239Glu (NM_000109.4); c.6727A>G, p.Lys2243Glu (NM_004009.3); c.6370A>G, p.Lys2124Glu (NM_004010.3); c.2716A>G, p.Lys906Glu (NM_004011.4); c.2707A>G, p.Lys903Glu (NM_004012.4); c.-642A>G (NM_004013.3, NM_004020.4, NM_004021.3 and 2 more transcripts); short protein forms K2124E, K2243E, K2247E, K906E, K2239E, K903E.
Identifiers: ClinVar variation 2099091 (VCV002099091.1), dbSNP rs2533456837, ClinGen allele CA412658138.